The following is an entry in ClinVar:

ClinVar aggregate classification (germline): Conflicting classifications of pathogenicity. Review status: criteria provided, conflicting classifications (1 of 4 stars). 3 submissions from 3 submitters: Uncertain significance (2); Benign (1). Last evaluated 2025-12-13.

Conditions:
Malignant hyperthermia, susceptibility to, 5 (MHS5). Also called: CACNA1S-Related Malignant Hyperthermia Susceptibility. Identifiers: Orphanet 423, MedGen C1866077, MONDO:0011163, OMIM 601887.
Hypokalemic periodic paralysis, type 1. Also called: HypoPP; Hypokalemic Periodic Paralysis Type 1 (AD). Identifiers: Orphanet 681, MedGen C3714580, MONDO:0042979, OMIM 170400.
Thyrotoxic periodic paralysis, susceptibility to, 1 (TTPP1). Identifiers: Orphanet 79102, MedGen C2749982, MONDO:0008570, OMIM 188580.

Allele frequency attached by ClinVar (database versions not stated): gnomAD exomes 0.00001 and 0.00005; ExAC 0.00003.
gnomAD v4.1: 12 of 1,613,988 alleles (0.00074%); highest among the groups gnomAD compares: East Asian, 0.02%; no homozygotes.

Submissions (3):

Labcorp Genetics (formerly Invitae), Labcorp
Classification: Benign for Hypokalemic periodic paralysis, type 1; Malignant hyperthermia, susceptibility to, 5. Last evaluated: 2025-12-13. Review status: criteria provided, single submitter. Criteria: Invitae Variant Classification Sherloc (09022015). Collection method: clinical testing. Allele origin: germline.

All of Us Research Program, National Institutes of Health
Classification: Uncertain significance for Malignant hyperthermia, susceptibility to, 5. Last evaluated: 2023-11-30. Review status: criteria provided, single submitter. Criteria: ACMG Guidelines, 2015. Collection method: clinical testing. Allele origin: germline. Inheritance: Autosomal dominant inheritance. Observed: 3 variant alleles, 3 heterozygotes.
Comment: This missense variant replaces valine with isoleucine at codon 1509 of the CACNA1S protein. Computational prediction suggests that this variant may not impact protein structure and function (internally defined REVEL score threshold <= 0.5, PMID: 27666373). To our knowledge, functional studies have not been reported for this variant. This variant has not been reported in individuals affected with CACNA1S-related disorders in the literature. This variant has been identified in 12/251398 chromosomes in the general population by the Genome Aggregation Database (gnomAD). The available evidence is insufficient to determine the role of this variant in disease conclusively. Therefore, this variant is classified as a Variant of Uncertain Significance.

This study involves interpretation of variants in research participants for the purpose of population health screening. Participant phenotype was not available at the time of variant classification. Additional details can be found in publication PMID: 35346344, PMCID: PMC8962531

Fulgent Genetics
Classification: Uncertain significance for Hypokalemic periodic paralysis, type 1; Thyrotoxic periodic paralysis, susceptibility to, 1; Malignant hyperthermia, susceptibility to, 5. Last evaluated: 2021-10-30. Review status: criteria provided, single submitter. Criteria: ACMG Guidelines, 2015. Collection method: clinical testing. Allele origin: unknown.

NM_000069.3(CACNA1S):c.4525G>A (p.Val1509Ile)

Gene: CACNA1S (calcium voltage-gated channel subunit alpha1 S; minus strand). Cytogenetic location: 1q32.1.
Variant type: single nucleotide variant.
Coding change: c.4525G>A on transcript NM_000069.3 (MANE Select); coding-DNA position 4525, G replaced by A.
Protein change: p.Val1509Ile; replaces valine 1509 with isoleucine.
Molecular consequence: missense variant.
Genome position (GRCh38, 1-based): chr1:201,047,543, C>T on the plus strand (G>A on the coding strand, the complement: CACNA1S is on the minus strand). VCF-style: chr1-201047543-C-T. GRCh37 (hg19) VCF-style: chr1-201016671-C-T.
Other names: short protein forms V1509I.
Identifiers: ClinVar variation 1364650 (VCV001364650.8), dbSNP rs775885648, ClinGen allele CA083410.